The following is an entry in ClinVar:

ClinVar aggregate classification (germline): Uncertain significance. Review status: criteria provided, multiple submitters, no conflicts (2 of 4 stars). 5 submissions from 5 submitters: Uncertain significance (5). Last evaluated 2024-03-22.

Conditions:
Hereditary cancer-predisposing syndrome. Also called: Neoplastic Syndromes, Hereditary; Tumor predisposition; Hereditary Cancer Syndrome; Hereditary neoplastic syndrome. Identifiers: Orphanet 140162, MedGen C0027672, MeSH D009386, MONDO:0015356.
Ataxia-telangiectasia syndrome (AT). Also called: LOUIS-BAR SYNDROME; Cerebello-oculocutaneous telangiectasia; Immunodeficiency with ataxia telangiectasia; Ataxia telangiectasia (A-T); Ataxia-telangiectasia, complementation group D; AT, COMPLEMENTATION GROUP C. Identifiers: Orphanet 100, MedGen C0004135, MONDO:0008840, OMIM 208900.
ATM-related cancer predisposition. Also called: ATM-related cancer susceptibility. Identifiers: MedGen CN377759, MONDO:0700270.
Familial cancer of breast. Also called: BREAST CANCER, FAMILIAL; Hereditary breast cancer; hereditary breast carcinoma. Identifiers: Orphanet 227535, MedGen C0346153, MONDO:0016419, OMIM 114480. Disease mechanism: loss of function.

Allele frequency attached by ClinVar (database versions not stated): gnomAD exomes below 0.00001.
gnomAD v4.1: 1 of 1,596,664 alleles (0.000063%); highest among the groups gnomAD compares: Non-Finnish European, 0.000086%; no homozygotes.

Submissions (5):

Ambry Genetics
Classification: Uncertain significance for Hereditary cancer-predisposing syndrome. Last evaluated: 2024-03-22. Review status: criteria provided, single submitter. Criteria: Ambry Variant Classification Scheme 2023. Collection method: clinical testing. Allele origin: germline.
Comment: The p.I1986T variant (also known as c.5957T>C), located in coding exon 39 of the ATM gene, results from a T to C substitution at nucleotide position 5957. The isoleucine at codon 1986 is replaced by threonine, an amino acid with similar properties. This amino acid position is conserved. In addition, the in silico prediction for this alteration is inconclusive. Based on the available evidence, the clinical significance of this alteration remains unclear.

Color Diagnostics, LLC DBA Color Health
Classification: Uncertain significance for Hereditary cancer-predisposing syndrome. Last evaluated: 2024-02-12. Review status: criteria provided, single submitter. Criteria: ACMG Guidelines, 2015. Collection method: clinical testing. Allele origin: germline.
Comment: This missense variant replaces isoleucine with threonine at codon 1986 of the ATM protein. Computational prediction suggests that this variant may not impact protein structure and function (internally defined REVEL score threshold <= 0.5, PMID: 27666373). To our knowledge, functional studies have not been reported for this variant. This variant has not been reported in individuals affected with ATM-related disorders in the literature. This variant has not been identified in the general population by the Genome Aggregation Database (gnomAD). The available evidence is insufficient to determine the role of this variant in disease conclusively. Therefore, this variant is classified as a Variant of Uncertain Significance.

Department of Pathology and Laboratory Medicine, Sinai Health System
Classification: Uncertain significance for ATM-related cancer predisposition. Last evaluated: 2023-12-01. Review status: criteria provided, single submitter. Criteria: ACMG Guidelines, 2015. Collection method: clinical testing. Allele origin: germline. Affected: no.

Baylor Genetics
Classification: Uncertain significance for Familial cancer of breast. Last evaluated: 2023-11-09. Review status: criteria provided, single submitter. Criteria: ACMG Guidelines, 2015. Collection method: clinical testing. Allele origin: unknown.

Labcorp Genetics (formerly Invitae), Labcorp
Classification: Uncertain significance for Ataxia-telangiectasia syndrome. Last evaluated: 2021-08-31. Review status: criteria provided, single submitter. Criteria: Invitae Variant Classification Sherloc (09022015). Collection method: clinical testing. Allele origin: germline.
Comment: This sequence change replaces isoleucine with threonine at codon 1986 of the ATM protein (p.Ile1986Thr). The isoleucine residue is moderately conserved and there is a moderate physicochemical difference between isoleucine and threonine. This variant is not present in population databases (ExAC no frequency). This variant has not been reported in the literature in individuals affected with ATM-related conditions. Advanced modeling of protein sequence and biophysical properties (such as structural, functional, and spatial information, amino acid conservation, physicochemical variation, residue mobility, and thermodynamic stability) performed at Invitae indicates that this missense variant is not expected to disrupt ATM protein function. In summary, the available evidence is currently insufficient to determine the role of this variant in disease. Therefore, it has been classified as a Variant of Uncertain Significance.

NM_000051.4(ATM):c.5957T>C (p.Ile1986Thr)

Genes: ATM (ATM serine/threonine kinase; plus strand), C11orf65 (chromosome 11 open reading frame 65; minus strand). Cytogenetic location: 11q22.3.
Variant type: single nucleotide variant.
Coding change: c.5957T>C on transcript NM_000051.4 (MANE Select); coding-DNA position 5957, T replaced by C.
Protein change: p.Ile1986Thr; replaces isoleucine 1986 with threonine.
Molecular consequence: missense variant. On other transcripts: intron variant (2).
Genome position (GRCh38, 1-based): chr11:108,312,449, T>C. VCF-style: chr11-108312449-T-C. GRCh37 (hg19) VCF-style: chr11-108183176-T-C.
Other names: c.5957T>C, p.Ile1986Thr (NM_001351834.2); c.641-3378A>G (NM_001330368.2); c.*39-3378A>G (NM_001351110.2); short protein forms I1986T.
Identifiers: ClinVar variation 1499775 (VCV001499775.9), dbSNP rs2084246805, ClinGen allele CA382548705.